The following is an entry in ClinVar:

ClinVar aggregate classification (germline): Uncertain significance (1 of 4 stars; one submission).

Conditions:
Familial cancer of breast. Also called: hereditary breast carcinoma; BREAST CANCER, FAMILIAL; Hereditary breast cancer. Identifiers: Orphanet 227535, MedGen C0346153, MONDO:0016419, OMIM 114480. Disease mechanism: loss of function.
Fanconi anemia complementation group J. Also called: BRIP1-Related Fanconi Anemia. Identifiers: Orphanet 84, MedGen C1836860, MONDO:0012187, OMIM 609054.

Submission:

Labcorp Genetics (formerly Invitae), Labcorp
Classification: Uncertain significance for Familial cancer of breast; Fanconi anemia, complementation group J. Last evaluated: 2018-02-10. Review status: criteria provided, single submitter. Criteria: Invitae Variant Classification Sherloc (09022015). Collection method: clinical testing. Allele origin: germline.
Comment: This variant is a gross duplication of the genomic region encompassing exons 2-14 of the BRIP1 gene. The 5' end of this event is unknown as it extends beyond the assayed region for this gene and therefore may encompass additional genes. The 3' boundary is likely confined to intron 14 of the BRIP1 gene. The exact location of this variant in the genome is unknown. This variant has not been reported in the literature in individuals with BRIP1-related disease. Experimental studies and prediction algorithms are not available for this variant, and the functional significance of the duplicated amino acids is currently unknown. In summary, the available evidence is currently insufficient to determine the role of this variant in disease. Therefore, it has been classified as a Variant of Uncertain Significance.

NC_000017.10:g.(?_59853756)_(59938906_?)dup

Genes: BRIP1 (BRCA1 interacting DNA helicase 1; minus strand), LOC110120932 (VISTA enhancer hs778; plus strand), LOC130061360 (ATAC-STARR-seq lymphoblastoid active region 12535; plus strand). Cytogenetic location: 17q23.2.
Variant type: Duplication.
Identifiers: ClinVar variation 583500 (VCV000583500.2).